The following is an entry in ClinVar:

NM_173728.4(ARHGEF15):c.2357T>C (p.Leu786Pro)

Gene: ARHGEF15 (Rho guanine nucleotide exchange factor 15; plus strand). Cytogenetic location: 17p13.1.
Variant type: single nucleotide variant.
Coding change: c.2357T>C on transcript NM_173728.4 (MANE Select); coding-DNA position 2357, T replaced by C.
Protein change: p.Leu786Pro; replaces leucine 786 with proline.
Molecular consequence: missense variant.
Genome position (GRCh38, 1-based): chr17:8,319,586, T>C. VCF-style: chr17-8319586-T-C. GRCh37 (hg19) VCF-style: chr17-8222904-T-C.
Other names: c.2357T>C, p.Leu786Pro (NM_025014.2); short protein forms L786P.
Identifiers: ClinVar variation 4752366 (VCV004752366.1).

ClinVar aggregate classification (germline): Uncertain significance (1 of 4 stars; one submission).

Conditions:
Early-infantile DEE. Also called: Early infantile epileptic encephalopathy; Ohtahara syndrome; Early infantile epileptic encephalopathy with suppression bursts. Identifiers: Orphanet 1934, MedGen C0393706, MONDO:0800491.

gnomAD v4.1: 6 of 1,587,852 alleles (0.00038%); highest among the groups gnomAD compares: Non-Finnish European, 0.00051%; no homozygotes.

Submission:

Labcorp Genetics (formerly Invitae), Labcorp
Classification: Uncertain significance for Early-infantile DEE. Last evaluated: 2025-09-24. Review status: criteria provided, single submitter. Criteria: Invitae Variant Classification Sherloc (09022015). Collection method: clinical testing. Allele origin: germline.
Comment: This sequence change replaces leucine, which is neutral and non-polar, with proline, which is neutral and non-polar, at codon 786 of the ARHGEF15 protein (p.Leu786Pro). The frequency data for this variant in the population databases is considered unreliable, as metrics indicate poor data quality at this position in the gnomAD database. This variant has not been reported in the literature in individuals affected with ARHGEF15-related conditions. An algorithm developed to predict the effect of missense changes on protein structure and function outputs the following: PolyPhen-2: "Benign". The proline amino acid residue is found in multiple mammalian species, which suggests that this missense change does not adversely affect protein function. In summary, the available evidence is currently insufficient to determine the role of this variant in disease. Therefore, it has been classified as a Variant of Uncertain Significance.